The following is an entry in ClinVar:

NM_001130823.3(DNMT1):c.292G>T (p.Ala98Ser)

Gene: DNMT1 (DNA methyltransferase 1; minus strand). Cytogenetic location: 19p13.2.
Variant type: single nucleotide variant.
Coding change: c.292G>T on transcript NM_001130823.3 (MANE Select); coding-DNA position 292, G replaced by T.
Protein change: p.Ala98Ser; replaces alanine 98 with serine.
Molecular consequence: missense variant. On other transcripts: 5 prime UTR variant (1).
Genome position (GRCh38, 1-based): chr19:10,180,503, C>A on the plus strand (G>T on the coding strand, the complement: DNMT1 is on the minus strand). VCF-style: chr19-10180503-C-A. GRCh37 (hg19) VCF-style: chr19-10291179-C-A.
Other names: c.292G>T, p.Ala98Ser (NM_001318730.2, NM_001379.4); c.-72G>T (NM_001318731.2); short protein forms A98S.
Identifiers: ClinVar variation 3377705 (VCV003377705.1).

ClinVar aggregate classification (germline): Uncertain significance (1 of 4 stars; one submission).

Conditions:
Hereditary sensory neuropathy-deafness-dementia syndrome. Also called: Hereditary Sensory and Autonomic Neuropathy Type 1E (HSAN1E); HSN IE; NEUROPATHY, HEREDITARY SENSORY, WITH HEARING LOSS AND DEMENTIA; Hereditary sensory neuropathy type IE. Identifiers: Orphanet 456318, MedGen C3279885, MONDO:0013584, OMIM 614116.

gnomAD v4.1: 4 of 1,614,174 alleles (0.00025%); highest among the groups gnomAD compares: South Asian, 0.0044%; no homozygotes.

Submission:

Neuberg Centre For Genomic Medicine, NCGM
Classification: Uncertain significance for Hereditary sensory neuropathy-deafness-dementia syndrome. Last evaluated: 2023-06-22. Review status: criteria provided, single submitter. Criteria: ACMG Guidelines, 2015. Collection method: clinical testing. Allele origin: germline. Inheritance: Autosomal dominant inheritance. Affected: yes.
Comment: The observed missense c.292G>T(p.Ala98Ser) variant in DNMT1 gene has not been reported previously as a pathogenic variant nor as a benign variant, to our knowledge. This variant is present with an allele frequency of 0.0008% in gnomAD Exomes database. This variant has not been submitted to the ClinVar database. Multiple lines of computational evidence (Polyphen - Benign, SIFT - Tolerated and MutationTaster - Polymorphism) predict no damaging effect on protein structure and function for this variant. The amino acid Ala at position 98 is changed to a Ser changing protein sequence and it might alter its composition and physico-chemical properties. For these reasons, this variant has been classified as Uncertain Significance (VUS).